The following is an entry in ClinVar:

NM_001077653.2(TBX20):c.424C>T (p.Pro142Ser)

Gene: TBX20 (T-box transcription factor 20; minus strand). Cytogenetic location: 7p14.2.
Variant type: single nucleotide variant.
Coding change: c.424C>T on transcript NM_001077653.2 (MANE Select); coding-DNA position 424, C replaced by T.
Protein change: p.Pro142Ser; replaces proline 142 with serine.
Molecular consequence: missense variant.
Genome position (GRCh38, 1-based): chr7:35,248,798, G>A on the plus strand (C>T on the coding strand, the complement: TBX20 is on the minus strand). VCF-style: chr7-35248798-G-A. GRCh37 (hg19) VCF-style: chr7-35288410-G-A.
Other names: c.424C>T, p.Pro142Ser (NM_001166220.1); short protein forms P142S.
Identifiers: ClinVar variation 4795768 (VCV004795768.1).

ClinVar aggregate classification (germline): Uncertain significance (1 of 4 stars; one submission).

Submission:

GeneDx
Classification: Uncertain significance. Last evaluated: 2025-08-11. Review status: criteria provided, single submitter. Criteria: GeneDx Variant Classification Process June 2021. Collection method: clinical testing. Allele origin: germline. Affected: yes.
Comment: Not observed at significant frequency in large population cohorts (gnomAD); In silico analysis supports that this missense variant has a deleterious effect on protein structure/function; Has not been previously published as pathogenic or benign to our knowledge